The following is an entry in ClinVar:

ClinVar aggregate classification (germline): Likely pathogenic. Review status: criteria provided, multiple submitters, no conflicts (2 of 4 stars). 2 submissions from 2 submitters: Likely pathogenic (2). Last evaluated 2024-01-23.

Conditions:
Familial thoracic aortic aneurysm and aortic dissection (TAAD). Also called: Thoracic aortic aneurysms and dissections. Identifiers: Orphanet 91387, MedGen C4707243, MONDO:0019625.

Submissions (2):

Ambry Genetics
Classification: Likely pathogenic for Familial thoracic aortic aneurysm and aortic dissection. Last evaluated: 2024-01-23. Review status: criteria provided, single submitter. Criteria: Ambry Variant Classification Scheme 2023. Collection method: clinical testing. Allele origin: germline.
Comment: The p.C628S variant (also known as c.1883G>C), located in coding exon 15 of the FBN1 gene, results from a G to C substitution at nucleotide position 1883. The cysteine at codon 628 is replaced by serine, an amino acid with dissimilar properties. The majority of FBN1 mutations identified to date have involved the substitution or generation of cysteine residues within cbEGF domains (Vollbrandt T et al. J Biol Chem. 2004;279(31):32924-32931). Internal structural analysis indicates this alteration eliminates a disulfide bond critical for the structural integrity of the cbEGF6 domain (Ambry internal data). Another alteration at the same codon, p.C628K (c.1882_1884delTGCinsAAA), has been reported in an individual with a clinical diagnosis of Marfan syndrome (Rommel K et al. Hum Mutat, 2002 Nov;20:406-7). This variant is considered to be rare based on population cohorts in the Genome Aggregation Database (gnomAD). This amino acid position is highly conserved in available vertebrate species. In addition, this alteration is predicted to be deleterious by in silico analysis. Based on the majority of available evidence to date, this variant is likely to be pathogenic.

GeneDx
Classification: Likely pathogenic. Last evaluated: 2022-08-18. Review status: criteria provided, single submitter. Criteria: GeneDx Variant Classification Process June 2021. Collection method: clinical testing. Allele origin: germline. Affected: yes.
Comment: Has not been previously published as pathogenic or benign to our knowledge; Not observed at significant frequency in large population cohorts (gnomAD); Affects a cysteine residue within a calcium-binding EGF-like domain of the FBN1 gene, which may affect disulfide bonding and is predicted to alter the structure and function of the protein; cysteine substitutions in the calcium-binding EGF-like domains represent the majority of pathogenic missense changes associated with FBN1-related disorders (Collod-Beroud et al., 2003); In silico analysis supports that this missense variant has a deleterious effect on protein structure/function; This variant is associated with the following publications: (PMID: 12938084)

NM_000138.5(FBN1):c.1883G>C (p.Cys628Ser)

Gene: FBN1 (fibrillin 1; minus strand). Cytogenetic location: 15q21.1.
Variant type: single nucleotide variant.
Coding change: c.1883G>C on transcript NM_000138.5 (MANE Select); coding-DNA position 1883, G replaced by C.
Protein change: p.Cys628Ser; replaces cysteine 628 with serine.
Molecular consequence: missense variant.
Genome position (GRCh38, 1-based): chr15:48,505,102, C>G on the plus strand (G>C on the coding strand, the complement: FBN1 is on the minus strand). VCF-style: chr15-48505102-C-G. GRCh37 (hg19) VCF-style: chr15-48797299-C-G.
Other names: c.1883G>C, p.Cys628Ser (NM_001406716.1); short protein forms C628S.
Identifiers: ClinVar variation 2430708 (VCV002430708.2), dbSNP rs1555399825, ClinGen allele CA392339114.
Genomic context (GRCh38, chr15:48,505,102, plus strand): 5'-TCCAGACCCACAGCCAGTCCAGGGAAGCATTCACATCTGTAGGAGCCATCAGTGTTGACG[C>G]AACGCCCATTCATGCAGATCCCAGGGGTTTCACACTCGTTAATGTCTGTGGCAGAGAAAG-3'
Protein context (NP_000129.3, residues 618-638): ETPGICMNGR[Cys628Ser]VNTDGSYRCE